The following is an entry in ClinVar:

ClinVar aggregate classification (germline): Pathogenic (1 of 4 stars; one submission).

Submission:

Quest Diagnostics Nichols Institute San Juan Capistrano
Classification: Pathogenic. Last evaluated: 2026-06-05. Review status: criteria provided, single submitter. Criteria: ACMG/ClinGen CNV Guidelines, 2019. Collection method: clinical testing. Allele origin: unknown.
Comment: This copy number loss involves TMEM127 (OMIM 613403) and is consistent with the 2q11.2 recurrent region (ISCA-37495). Recurrent heterozygous deletions of this 2q11.2 recurrent region have been reported in individuals with a range of neurodevelopmental disorders including autism, intellectual disability (ID), developmental delay (DD), schizophrenia, and attention deficit/hyperactivity disorder (ADHD; ISCA-37495, Krumm 2015, Kushima 2018, Riley 2015, Rudd 2009, Wright 2015). Dysmorphic features such as midface hypoplasia and scoliosis have also been documented in some individuals. In addition, two studies have reported enrichment of 2q11.2 deletions in schizophrenia and ID/DD cases compared to controls (Coe 2014, Rees 2016). Of note, the presence of this deletion in reportedly unaffected carriers and inheritance from a mildly affected parent are consistent with reduced penetrance and/or variable phenotypic expressivity (Kendall 2019, Riley 2015). This interval contains multiple protein-coding genes with provisional or established OMIM phenotype associations, including STARD7 (OMIM 616712), SNRNP200 (OMIM 601664), and LMAN2L (OMIM 609552). Additionally, nonsense, frameshift, and splice site variants of TMEM127 are associated with autosomal dominant familial pheochromocytoma, paraganglioma and renal cell carcinomas, with reduced penetrance and variable expressivity (CCID:008012). Notably, heterozygous deletions have not yet been reported in association with this phenotype. Thus, based on current medical literature, this copy number variant (CNV) is classified as likely pathogenic with reduced penetrance and variable expressivity.

Literature cited by the submitters: PubMed 25217958; PubMed 30767844; PubMed 25961944; PubMed 30208311; PubMed 27602560; PubMed 26227573; PubMed 19443486.

GRCh37/hg19 2q11.1-11.2(chr2:96421161-97765561)x1

Genes: ADRA2B (adrenoceptor alpha 2B; minus strand), ANKRD23 (ankyrin repeat domain 23; minus strand), ANKRD36C (ankyrin repeat domain 36C; minus strand), ANKRD39 (ankyrin repeat domain 39; minus strand), ARID5A (AT-rich interaction domain 5A; plus strand) and 17 more. Cytogenetic location: 2q11.1-11.2.
Variant type: copy number loss.
Change: copy number 1 (one copy instead of two) of chr2:96,421,161-97,765,561 (1.34 Mb, GRCh37 coordinates, 1-based), cytogenetic band 2q11.1-11.2.
Identifiers: ClinVar variation 980466 (VCV000980466.2).